The following is an entry in ClinVar:

ClinVar aggregate classification (germline): Conflicting classifications of pathogenicity. Review status: criteria provided, conflicting classifications (1 of 4 stars). 3 submissions from 3 submitters: Uncertain significance (1); Benign (1); Likely benign (1). Last evaluated 2026-04-01.

Conditions:
Nance-Horan syndrome (NHS). Identifiers: Orphanet 627, MedGen C0796085, MONDO:0010545, OMIM 302350.

Allele frequency attached by ClinVar (database versions not stated): ExAC 0.00010; gnomAD 0.00011 and 0.00012; TOPMed 0.00011; gnomAD exomes 0.00012 and 0.00013.
gnomAD v4.1: 142 of 1,210,054 alleles (0.012%); highest among the groups gnomAD compares: Middle Eastern, 0.023%; 1 homozygote.

Submissions (3):

CeGaT Center for Human Genetics Tuebingen
Classification: Likely benign. Last evaluated: 2026-04-01. Review status: criteria provided, single submitter. Criteria: CeGaT Center For Human Genetics Tuebingen Variant Classification Criteria Version 2. Collection method: clinical testing. Allele origin: germline. Affected: yes. Observed: 4 variant alleles.
Comment: NHS: BP4, BP7, BS2

Labcorp Genetics (formerly Invitae), Labcorp
Classification: Benign for Nance-Horan syndrome. Last evaluated: 2026-01-15. Review status: criteria provided, single submitter. Criteria: Invitae Variant Classification Sherloc (09022015). Collection method: clinical testing. Allele origin: germline.

Eurofins Ntd Llc (ga)
Classification: Uncertain significance. Last evaluated: 2013-11-27. Review status: criteria provided, single submitter. Criteria: EGL Classification Definitions 2015. Collection method: clinical testing. Allele origin: germline. Observed: 1 variant allele, 1 heterozygote.

NM_001291867.2(NHS):c.1143C>T (p.Cys381=)

Gene: NHS (NHS actin remodeling regulator; plus strand). Cytogenetic location: Xp22.13.
Variant type: single nucleotide variant.
Coding change: c.1143C>T on transcript NM_001291867.2 (MANE Select); coding-DNA position 1143, C replaced by T.
Protein change: p.Cys381=; no amino-acid change (cysteine 381 retained).
Molecular consequence: synonymous variant.
Genome position (GRCh38, 1-based): chrX:17,724,333, C>T. VCF-style: chrX-17724333-C-T. GRCh37 (hg19) VCF-style: chrX-17742453-C-T.
Other names: c.612C>T, p.Cys204= (NM_001136024.4); c.549C>T, p.Cys183= (NM_001291868.2); c.1080C>T, p.Cys360= (NM_198270.4).
Identifiers: ClinVar variation 167355 (VCV000167355.33), dbSNP rs727504042, ClinGen allele CA234382.